The following is an entry in ClinVar:

NM_002691.4(POLD1):c.1347C>T (p.Val449=)

Gene: POLD1 (DNA polymerase delta 1, catalytic subunit; plus strand). Cytogenetic location: 19q13.33.
Variant type: single nucleotide variant.
Coding change: c.1347C>T on transcript NM_002691.4 (MANE Select); coding-DNA position 1347, C replaced by T.
Protein change: p.Val449=; no amino-acid change (valine 449 retained).
Molecular consequence: synonymous variant. On other transcripts: non-coding transcript variant (1).
Genome position (GRCh38, 1-based): chr19:50,406,286, C>T. VCF-style: chr19-50406286-C-T. GRCh37 (hg19) VCF-style: chr19-50909543-C-T.
Other names: c.1347C>T, p.Val449= (NM_001256849.1, NM_001308632.1); c.1347C>T (NM_002691.2).
Identifiers: ClinVar variation 1668448 (VCV001668448.10), dbSNP rs2122320508, ClinGen allele CA508304774.
Genomic context (GRCh38, chr19:50,406,286, plus strand): 5'-CAACATCCGGGACTCTTCATTCCAGTCCAAGCAGACGGGCCGGCGGGACACCAAGGTTGT[C>T]AGCATGGTGGGCCGCGTGCAGATGGACATGCTGCAGGTATGGGCGGGAGGTGGGGTGTGT-3'
Protein context (NP_002682.2, residues 439-459): KQTGRRDTKV[Val449=]SMVGRVQMDM

ClinVar aggregate classification (germline): Conflicting classifications of pathogenicity. Review status: criteria provided, conflicting classifications (1 of 4 stars). 3 submissions from 3 submitters: Uncertain significance (1); Benign (1); Likely benign (1). Last evaluated 2026-02-24.

Conditions:
POLD1-related polyposis and colorectal cancer syndrome (CRCS10). Also called: Colorectal cancer 10; COLORECTAL CANCER, SUSCEPTIBILITY TO, ON CHROMOSOME 19q; Colorectal cancer, susceptibility to, 10. Identifiers: Orphanet 220460, MedGen C2675481, MONDO:0012953, OMIM 612591.
Hereditary cancer-predisposing syndrome. Also called: Hereditary Cancer Syndrome; Hereditary neoplastic syndrome; Neoplastic Syndromes, Hereditary; Tumor predisposition. Identifiers: Orphanet 140162, MedGen C0027672, MeSH D009386, MONDO:0015356.

Allele frequency attached by ClinVar (database versions not stated): gnomAD exomes below 0.00001.
gnomAD v4.1: 1 of 1,614,036 alleles (0.000062%); highest among the groups gnomAD compares: Non-Finnish European, 0.000085%; no homozygotes.

Submissions (3):

Ambry Genetics
Classification: Uncertain significance for Hereditary cancer-predisposing syndrome. Last evaluated: 2026-02-24. Review status: criteria provided, single submitter. Criteria: Ambry Variant Classification Scheme 2023. Collection method: clinical testing. Allele origin: germline.
Comment: The c.1347C>T variant (also known as p.V449V), located in coding exon 10 of the POLD1 gene, results from a C to T substitution at nucleotide position 1347. This nucleotide substitution does not change the valine at codon 449. This nucleotide position is not well conserved in available vertebrate species. In silico splice site analysis for this alteration is inconclusive. Based on the available evidence, the clinical significance of this variant remains unclear.

Myriad Genetics, Inc.
Classification: Benign for POLD1-related polyposis and colorectal cancer syndrome. Last evaluated: 2025-02-06. Review status: criteria provided, single submitter. Criteria: Myriad Autosomal Dominant, Autosomal Recessive and X-Linked Classification Criteria (2023). Collection method: clinical testing. Allele origin: unknown.
Comment: This variant is considered benign. This variant is a silent/synonymous amino acid change and it is not expected to impact splicing.

Labcorp Genetics (formerly Invitae), Labcorp
Classification: Likely benign for POLD1-related polyposis and colorectal cancer syndrome. Last evaluated: 2024-10-16. Review status: criteria provided, single submitter. Criteria: Invitae Variant Classification Sherloc (09022015). Collection method: clinical testing. Allele origin: germline.